The following is an entry in ClinVar:

ClinVar aggregate classification (germline): Pathogenic (1 of 4 stars; one submission).

Conditions:
GLB1-related disorder. Also called: GLB1-related disorders. Identifiers: MedGen CN377807.

Submission:

Myriad Genetics, Inc.
Classification: Pathogenic for GLB1-related disorder. Last evaluated: 2026-03-25. Review status: criteria provided, single submitter. Criteria: Myriad Autosomal Dominant, Autosomal Recessive and X-Linked Classification Criteria (2023). Collection method: clinical testing. Allele origin: unknown.
Comment: NM_000404.2(GLB1):c.670delC(H224Ifs*5) is a frameshift variant classified as pathogenic in the context of GLB1-related disorders. H224Ifs*5 has not been observed in cases with relevant disease. Relevant functional assessments of this variant are not available in the literature. H224Ifs*5 has not been observed in referenced population frequency databases. In summary, NM_000404.2(GLB1):c.670delC(H224Ifs*5) is a frameshift variant in a gene where loss of function is a known mechanism of disease and is predicted to disrupt protein function. Please note: this variant was assessed in the context of healthy population screening.

NM_000404.4(GLB1):c.670del (p.His224fs)

Gene: GLB1 (galactosidase beta 1; minus strand). Cytogenetic location: 3p22.3.
Variant type: Deletion.
Coding change: c.670del on transcript NM_000404.4 (MANE Select); coding-DNA position 670, one base deleted (C; older notation c.670delC).
Protein change: p.His224fs; shifts the reading frame from histidine 224.
Molecular consequence: frameshift variant. On other transcripts: intron variant (1).
Genome position (GRCh38, 1-based): chr3:33,058,152, G deleted on the plus strand (C on the coding strand, the reverse complement: GLB1 is on the minus strand). VCF-style (leftmost placement, unchanged base first): chr3-33058151-TG-T. GRCh37 (hg19) VCF-style: chr3-33099643-TG-T.
Other names: c.580del, p.His194fs (NM_001079811.3); c.814del, p.His272fs (NM_001317040.2); c.670del, p.His224fs (NM_001393580.1); c.341-4603del (NM_001135602.3); short protein forms H272fs, H194fs, H224fs.
Identifiers: ClinVar variation 5004560 (VCV005004560.1).